The following is an entry in ClinVar:

NM_000179.3(MSH6):c.3183G>C (p.Leu1061=)

Gene: MSH6 (mutS homolog 6; plus strand). Cytogenetic location: 2p16.3.
Variant type: single nucleotide variant.
Coding change: c.3183G>C on transcript NM_000179.3 (MANE Select); coding-DNA position 3183, G replaced by C.
Protein change: p.Leu1061=; no amino-acid change (leucine 1061 retained).
Molecular consequence: synonymous variant.
Genome position (GRCh38, 1-based): chr2:47,803,430, G>C. VCF-style: chr2-47803430-G-C. GRCh37 (hg19) VCF-style: chr2-48030569-G-C.
Other names: c.2793G>C, p.Leu931= (NM_001281492.2); c.2277G>C, p.Leu759= (NM_001281493.2, NM_001281494.2).
Identifiers: ClinVar variation 479925 (VCV000479925.17), dbSNP rs786203197, ClinGen allele CA426121698.

ClinVar aggregate classification (germline): Benign/Likely benign. Review status: criteria provided, multiple submitters, no conflicts (2 of 4 stars). 3 submissions from 3 submitters: Benign (1); Likely benign (2). Last evaluated 2025-01-03.

Conditions:
Hereditary nonpolyposis colorectal neoplasms. Identifiers: MedGen C0009405, MeSH D003123.
Hereditary cancer-predisposing syndrome. Also called: Hereditary Cancer Syndrome; Neoplastic Syndromes, Hereditary; Tumor predisposition; Hereditary neoplastic syndrome. Identifiers: Orphanet 140162, MedGen C0027672, MeSH D009386, MONDO:0015356.
Lynch syndrome 5 (LYNCH5). Also called: Colorectal cancer, hereditary nonpolyposis, type 5; Hereditary non-polyposis colorectal cancer, type 5. Identifiers: Orphanet 144, MedGen C1833477, MONDO:0013710, OMIM 614350. Disease mechanism: loss of function.

Allele frequency attached by ClinVar (database versions not stated): gnomAD exomes below 0.00001.
gnomAD v4.1: 2 of 1,614,122 alleles (0.00012%); highest among the groups gnomAD compares: Non-Finnish European, 0.00017%; no homozygotes.

Submissions (3):

Myriad Genetics, Inc.
Classification: Benign for Lynch syndrome 5. Last evaluated: 2025-01-03. Review status: criteria provided, single submitter. Criteria: Myriad Autosomal Dominant, Autosomal Recessive and X-Linked Classification Criteria (2023). Collection method: clinical testing. Allele origin: unknown.
Comment: This variant is considered benign. This variant is a silent/synonymous amino acid change and it is not expected to impact splicing.

Labcorp Genetics (formerly Invitae), Labcorp
Classification: Likely benign for Hereditary nonpolyposis colorectal neoplasms. Last evaluated: 2023-10-04. Review status: criteria provided, single submitter. Criteria: Invitae Variant Classification Sherloc (09022015). Collection method: clinical testing. Allele origin: germline.

Ambry Genetics
Classification: Likely benign for Hereditary cancer-predisposing syndrome. Last evaluated: 2016-08-30. Review status: criteria provided, single submitter. Criteria: Ambry Variant Classification Scheme 2023. Collection method: clinical testing. Allele origin: germline.